The following is an entry in ClinVar:

ClinVar aggregate classification (germline): Uncertain significance (1 of 4 stars; one submission).

gnomAD v4.1: 1 of 1,330,380 alleles (0.000075%); highest among the groups gnomAD compares: South Asian, 0.002%; no homozygotes.

Submission:

Ambry Genetics
Classification: Uncertain significance. Last evaluated: 2026-01-19. Review status: criteria provided, single submitter. Criteria: Ambry Variant Classification Scheme 2023. Collection method: clinical testing. Allele origin: germline.
Comment: The p.G115D variant (also known as c.344G>A), located in coding exon 1 of the WNK2 gene, results from a G to A substitution at nucleotide position 344. The glycine at codon 115 is replaced by aspartic acid, an amino acid with similar properties. This amino acid position is conserved. In addition, this alteration is predicted to be tolerated by in silico analysis. Based on the available evidence, the clinical significance of this variant remains unclear.

NM_006648.4(WNK2):c.344G>A (p.Gly115Asp)

Gene: WNK2 (WNK lysine deficient protein kinase 2; plus strand). Cytogenetic location: 9q22.31.
Variant type: single nucleotide variant.
Coding change: c.344G>A on transcript NM_006648.4 (MANE Select); coding-DNA position 344, G replaced by A.
Protein change: p.Gly115Asp; replaces glycine 115 with aspartic acid.
Molecular consequence: missense variant.
Genome position (GRCh38, 1-based): chr9:93,185,273, G>A. VCF-style: chr9-93185273-G-A. GRCh37 (hg19) VCF-style: chr9-95947555-G-A.
Other names: c.344G>A, p.Gly115Asp (NM_001282394.3); short protein forms G115D.
Identifiers: ClinVar variation 4844863 (VCV004844863.1).
Genomic context (GRCh38, chr9:93,185,273, plus strand): 5'-CCCCCGCGCCCGCAGCGCTGGTAGCGCAGCCGGGAGCCCCCGGAGCCCCCGCGGACGCCG[G>A]CCCCGAGCCCGTGGGCACGCAGGAGCCCGGCCCGGACCCCATCGCAGCCGCTGTCGAAAC-3'
Protein context (NP_006639.3, residues 105-125): PGAPGAPADA[Gly115Asp]PEPVGTQEPG